The following is an entry in ClinVar:

NM_005654.6(NR2F1):c.830T>C (p.Leu277Pro)

Gene: NR2F1 (nuclear receptor subfamily 2 group F member 1; plus strand). Cytogenetic location: 5q15.
Variant type: single nucleotide variant.
Coding change: c.830T>C on transcript NM_005654.6 (MANE Select); coding-DNA position 830, T replaced by C.
Protein change: p.Leu277Pro; replaces leucine 277 with proline.
Molecular consequence: missense variant.
Genome position (GRCh38, 1-based): chr5:93,588,283, T>C. VCF-style: chr5-93588283-T-C. GRCh37 (hg19) VCF-style: chr5-92923989-T-C.
Other names: c.380T>C, p.Leu127Pro (NM_001410754.1); short protein forms L127P, L277P.
Identifiers: ClinVar variation 4976405 (VCV004976405.1).
Genomic context (GRCh38, chr5:93,588,283, plus strand): 5'-GCGAGCTGTTCGTGCTCAACGCGGCCCAGTGCTCTATGCCGCTGCACGTGGCGCCGTTGC[T>C]GGCCGCCGCCGGCCTGCATGCCTCGCCCATGTCTGCCGACCGCGTCGTGGCCTTCATGGA-3'
Protein context (NP_005645.1, residues 267-287): CSMPLHVAPL[Leu277Pro]AAAGLHASPM

ClinVar aggregate classification (germline): Uncertain significance (1 of 4 stars; one submission).

Submission:

GeneDx
Classification: Uncertain significance. Last evaluated: 2026-02-23. Review status: criteria provided, single submitter. Criteria: GeneDx Variant Classification Process June 2021. Collection method: clinical testing. Allele origin: germline.
Comment: Not observed at significant frequency in large population cohorts (gnomAD); In silico analysis supports that this missense variant has a deleterious effect on protein structure/function; Has not been previously published as pathogenic or benign to our knowledge; This variant is associated with the following publications: (PMID: 26986877)